The following is an entry in ClinVar:

NM_001110556.2(FLNA):c.4142+10C>T

Gene: FLNA (filamin A; minus strand). Cytogenetic location: Xq28.
Variant type: single nucleotide variant.
Coding change: c.4142+10C>T on transcript NM_001110556.2 (MANE Select); 10 bases into the intron after coding-DNA position 4142, C replaced by T.
Molecular consequence: intron variant.
Genome position (GRCh38, 1-based): chrX:154,359,474, G>A on the plus strand (C>T on the coding strand, the complement: FLNA is on the minus strand). VCF-style: chrX-154359474-G-A. GRCh37 (hg19) VCF-style: chrX-153587842-G-A.
Other names: p.?; c.4142+10C>T (NM_001456.4, NM_001456.3).
Identifiers: ClinVar variation 2145332 (VCV002145332.5), dbSNP rs1428214416, ClinGen allele CA645290250.

ClinVar aggregate classification (germline): Likely benign. Review status: criteria provided, multiple submitters, no conflicts (2 of 4 stars). 2 submissions from 2 submitters: Likely benign (2). Last evaluated 2025-10-20.

Conditions:
Oto-palato-digital syndrome, type II (OPD2). Also called: Otopalatodigital Syndrome Type 2 (FLNA-OPD2); Otopalatodigital Syndrome, Type II; FACIOPALATOOSSEOUS SYNDROME; OPD II SYNDROME. Identifiers: Orphanet 669, Orphanet 90652, MedGen C1844696, MONDO:0010571, OMIM 304120.
Frontometaphyseal dysplasia (FMD1). Identifiers: Orphanet 1826, MedGen C0265293, MONDO:0015942.
Melnick-Needles syndrome (MNS). Also called: Melnick-Needles Syndrome (FLNA-MNS); MELNICK-NEEDLES OSTEODYSPLASTY; OSTEODYSPLASTY OF MELNICK AND NEEDLES. Identifiers: Orphanet 2484, MedGen C0025237, MONDO:0010650, OMIM 309350.
Heterotopia, periventricular, X-linked dominant (PVNH1). Also called: PERIVENTRICULAR NODULAR HETEROTOPIA 4; HETEROTOPIA, PERIVENTRICULAR, 1; X-linked periventricular heterotopia; PERIVENTRICULAR NODULAR HETEROTOPIA 1. Identifiers: Orphanet 2149, Orphanet 82004, MedGen C1848213, MONDO:0010233, OMIM 300049.

Allele frequency attached by ClinVar (database versions not stated): gnomAD exomes below 0.00001; TOPMed 0.00001; gnomAD 0.00002.
gnomAD v4.1: 5 of 1,210,535 alleles (0.00041%); highest among the groups gnomAD compares: Non-Finnish European, 0.00056%; no homozygotes.

Submissions (2):

Labcorp Genetics (formerly Invitae), Labcorp
Classification: Likely benign for Oto-palato-digital syndrome, type II; Heterotopia, periventricular, X-linked dominant; Frontometaphyseal dysplasia; Melnick-Needles syndrome. Last evaluated: 2025-10-20. Review status: criteria provided, single submitter. Criteria: Invitae Variant Classification Sherloc (09022015). Collection method: clinical testing. Allele origin: germline.

Mayo Clinic Laboratories, Mayo Clinic
Classification: Likely benign. Last evaluated: 2025-01-13. Review status: criteria provided, single submitter. Criteria: ACMG Guidelines, 2015. Collection method: clinical testing. Allele origin: germline. Observed: 1 variant allele.
Comment: BP4, BP7